The following is an entry in ClinVar:

NM_006231.4(POLE):c.832A>G (p.Thr278Ala)

Gene: POLE (DNA polymerase epsilon, catalytic subunit; minus strand). Cytogenetic location: 12q24.33.
Variant type: single nucleotide variant.
Coding change: c.832A>G on transcript NM_006231.4 (MANE Select); coding-DNA position 832, A replaced by G.
Protein change: p.Thr278Ala; replaces threonine 278 with alanine.
Molecular consequence: missense variant.
Genome position (GRCh38, 1-based): chr12:132,676,623, T>C on the plus strand (A>G on the coding strand, the complement: POLE is on the minus strand). VCF-style: chr12-132676623-T-C. GRCh37 (hg19) VCF-style: chr12-133253209-T-C.
Other names: short protein forms T278A.
Identifiers: ClinVar variation 1762946 (VCV001762946.5), dbSNP rs2136016189, ClinGen allele CA387364322.

ClinVar aggregate classification (germline): Uncertain significance. Review status: criteria provided, multiple submitters, no conflicts (2 of 4 stars). 2 submissions from 2 submitters: Uncertain significance (2). Last evaluated 2025-04-27.

Conditions:
Hereditary cancer-predisposing syndrome. Also called: Neoplastic Syndromes, Hereditary; Tumor predisposition; Hereditary Cancer Syndrome; Hereditary neoplastic syndrome. Identifiers: Orphanet 140162, MedGen C0027672, MeSH D009386, MONDO:0015356.

Submissions (2):

Labcorp Genetics (formerly Invitae), Labcorp
Classification: Uncertain significance. Last evaluated: 2025-04-27. Review status: criteria provided, single submitter. Criteria: Invitae Variant Classification Sherloc (09022015). Collection method: clinical testing. Allele origin: germline.
Comment: This sequence change replaces threonine, which is neutral and polar, with alanine, which is neutral and non-polar, at codon 278 of the POLE protein (p.Thr278Ala). This variant is not present in population databases (gnomAD no frequency). This variant has not been reported in the literature in individuals affected with POLE-related conditions. ClinVar contains an entry for this variant (Variation ID: 1762946). Invitae Evidence Modeling of protein sequence and biophysical properties (such as structural, functional, and spatial information, amino acid conservation, physicochemical variation, residue mobility, and thermodynamic stability) has been performed for this missense variant. However, the output from this modeling did not meet the statistical confidence thresholds required to predict the impact of this variant on POLE protein function. In summary, the available evidence is currently insufficient to determine the role of this variant in disease. Therefore, it has been classified as a Variant of Uncertain Significance.

Ambry Genetics
Classification: Uncertain significance for Hereditary cancer-predisposing syndrome. Last evaluated: 2021-06-28. Review status: criteria provided, single submitter. Criteria: Ambry Variant Classification Scheme 2023. Collection method: clinical testing. Allele origin: germline.
Comment: The p.T278A variant (also known as c.832A>G), located in coding exon 9 of the POLE gene, results from an A to G substitution at nucleotide position 832. The threonine at codon 278 is replaced by alanine, an amino acid with similar properties. This amino acid position is conserved. In addition, the in silico prediction for this alteration is inconclusive. Since supporting evidence is limited at this time, the clinical significance of this alteration remains unclear.